The following is an entry in ClinVar:

NM_001008212.2(OPTN):c.1583_1584del (p.Asp527_Ser528insTer)

Gene: OPTN (optineurin; plus strand). Cytogenetic location: 10p13.
Variant type: Microsatellite.
Coding change: c.1583_1584del on transcript NM_001008212.2 (MANE Select); coding-DNA positions 1583 to 1584, 2 bases deleted (CT; older notation c.1583_1584delCT).
Protein change: p.Asp527_Ser528insTer.
Molecular consequence: nonsense.
Genome position (GRCh38, 1-based): chr10:13,133,552-13,133,553, CT deleted; deleting any 2 consecutive bases within chr10:13,133,550-13,133,553 gives the same sequence; the c. name uses the placement nearest the transcript's 3' end. VCF-style (leftmost placement, unchanged base first): chr10-13133549-ACT-A. GRCh37 (hg19) VCF-style: chr10-13175549-ACT-A.
Other names: c.1583_1584del, p.Asp527_Ser528insTer (NM_001008211.1, NM_001008213.1, NM_021980.4).
Identifiers: ClinVar variation 1418136 (VCV001418136.8), dbSNP rs1446908199, ClinGen allele CA592077478.

ClinVar aggregate classification (germline): Conflicting classifications of pathogenicity. Review status: criteria provided, conflicting classifications (1 of 4 stars). 2 submissions from 2 submitters: Likely pathogenic (1); Uncertain significance (1). Last evaluated 2026-06-01.

Conditions:
Amyotrophic lateral sclerosis type 12 (ALS12). Also called: AMYOTROPHIC LATERAL SCLEROSIS 12 WITH OR WITHOUT FRONTOTEMPORAL DEMENTIA. Identifiers: Orphanet 803, MedGen C3150692, MONDO:0013264, OMIM 613435.
Glaucoma 1, open angle, E. Identifiers: MedGen C1842026, MONDO:0007665.
Primary open angle glaucoma (POAG). Also called: OPTN-related open angle glaucoma. Identifiers: MedGen C0339573, MONDO:0100553, OMIM 137760.

Submissions (2):

CeGaT Center for Human Genetics Tuebingen
Classification: Likely pathogenic. Last evaluated: 2026-06-01. Review status: criteria provided, single submitter. Criteria: CeGaT Center For Human Genetics Tuebingen Variant Classification Criteria Version 2. Collection method: clinical testing. Allele origin: germline. Affected: yes. Observed: 1 variant allele.
Comment: OPTN: PS4, PM2, PVS1:Moderate

Labcorp Genetics (formerly Invitae), Labcorp
Classification: Uncertain significance for Primary open angle glaucoma; Glaucoma 1, open angle, E; Amyotrophic lateral sclerosis type 12. Last evaluated: 2025-11-30. Review status: criteria provided, single submitter. Criteria: Invitae Variant Classification Sherloc (09022015). Collection method: clinical testing. Allele origin: germline.
Comment: This sequence change creates a premature translational stop signal (p.Ser528*) in the OPTN gene. While this is not anticipated to result in nonsense mediated decay, it is expected to disrupt the last 50 amino acid(s) of the OPTN protein. This variant is present in population databases (no rsID available, gnomAD 0.004%). This premature translational stop signal has been observed in individuals with autosomal dominant amyotrophic lateral sclerosis (PMID: 34544842, 35661277; internal data). This variant is also known as c.1581_1582del (p.D527fs). ClinVar contains an entry for this variant (Variation ID: 1418136). Experimental studies and prediction algorithms are not available or were not evaluated, and the functional significance of this variant is currently unknown. In summary, the available evidence is currently insufficient to determine the role of this variant in disease. Therefore, it has been classified as a Variant of Uncertain Significance.

Literature cited by the submitters: PubMed 34544842 (cited by Labcorp Genetics (formerly Invitae), Labcorp); PubMed 35661277 (cited by Labcorp Genetics (formerly Invitae), Labcorp).